The following is an entry in ClinVar:

ClinVar aggregate classification (germline): Uncertain significance. Review status: criteria provided, multiple submitters, no conflicts (2 of 4 stars). 4 submissions from 4 submitters: Uncertain significance (4). Last evaluated 2024-05-06.

Conditions:
Familial adenomatous polyposis 4 (FAP4). Also called: MSH3-related attenuated familial adenomatous polyposis. Identifiers: Orphanet 480536, MedGen C4310719, MONDO:0044300, OMIM 617100.
Hereditary cancer-predisposing syndrome. Also called: Neoplastic Syndromes, Hereditary; Tumor predisposition; Hereditary Cancer Syndrome; Hereditary neoplastic syndrome. Identifiers: Orphanet 140162, MedGen C0027672, MeSH D009386, MONDO:0015356.

Allele frequency attached by ClinVar (database versions not stated): TOPMed below 0.00001; gnomAD 0.00001.
gnomAD v4.1: 12 of 1,614,004 alleles (0.00074%); highest among the groups gnomAD compares: Non-Finnish European, 0.00093%; no homozygotes.

Submissions (4):

Revvity Omics, Revvity
Classification: Uncertain significance for Familial adenomatous polyposis 4. Last evaluated: 2024-05-06. Review status: criteria provided, single submitter. Criteria: ACMG Guidelines, 2015. Collection method: clinical testing. Allele origin: germline.

Labcorp Genetics (formerly Invitae), Labcorp
Classification: Uncertain significance. Last evaluated: 2023-09-26. Review status: criteria provided, single submitter. Criteria: Invitae Variant Classification Sherloc (09022015). Collection method: clinical testing. Allele origin: germline.
Comment: In summary, the available evidence is currently insufficient to determine the role of this variant in disease. Therefore, it has been classified as a Variant of Uncertain Significance. An algorithm developed to predict the effect of missense changes on protein structure and function (PolyPhen-2) suggests that this variant is likely to be tolerated. ClinVar contains an entry for this variant (Variation ID: 1025200). This variant has not been reported in the literature in individuals affected with MSH3-related conditions. This variant is present in population databases (no rsID available, gnomAD 0.0009%). This sequence change replaces isoleucine, which is neutral and non-polar, with valine, which is neutral and non-polar, at codon 285 of the MSH3 protein (p.Ile285Val).

Ambry Genetics
Classification: Uncertain significance for Hereditary cancer-predisposing syndrome. Last evaluated: 2022-08-26. Review status: criteria provided, single submitter. Criteria: Ambry Variant Classification Scheme 2023. Collection method: clinical testing. Allele origin: germline.
Comment: The p.I285V variant (also known as c.853A>G), located in coding exon 5 of the MSH3 gene, results from an A to G substitution at nucleotide position 853. The isoleucine at codon 285 is replaced by valine, an amino acid with highly similar properties. This amino acid position is highly conserved in available vertebrate species. In addition, the in silico prediction for this alteration is inconclusive. Since supporting evidence is limited at this time, the clinical significance of this alteration remains unclear.

Department of Pathology and Laboratory Medicine, Sinai Health System
Classification: Uncertain significance for Familial adenomatous polyposis 4. Last evaluated: 2022-06-07. Review status: criteria provided, single submitter. Criteria: ACMG Guidelines, 2015. Collection method: clinical testing. Allele origin: germline. Affected: yes.

NM_002439.5(MSH3):c.853A>G (p.Ile285Val)

Gene: MSH3 (mutS homolog 3; plus strand). Cytogenetic location: 5q14.1.
Variant type: single nucleotide variant.
Coding change: c.853A>G on transcript NM_002439.5 (MANE Select); coding-DNA position 853, A replaced by G.
Protein change: p.Ile285Val; replaces isoleucine 285 with valine.
Molecular consequence: missense variant.
Genome position (GRCh38, 1-based): chr5:80,672,304, A>G. VCF-style: chr5-80672304-A-G. GRCh37 (hg19) VCF-style: chr5-79968123-A-G.
Other names: c.853A>G (NM_002439.4); short protein forms I285V.
Identifiers: ClinVar variation 1025200 (VCV001025200.13), dbSNP rs1213230231, ClinGen allele CA360267186.
Genomic context (GRCh38, chr5:80,672,304, plus strand): 5'-ATTGCAGCCCGAGAGCTCAATATTTATTGCCATTTAGATCACAACTTTATGACAGCAAGT[A>G]TACCTACTCACAGACTGTTTGTTCATGTACGCCGCCTGGTGGCAAAAGGATATAAGGTCA-3'
Protein context (NP_002430.3, residues 275-295): HLDHNFMTAS[Ile285Val]PTHRLFVHVR